The following is an entry in ClinVar:

ClinVar aggregate classification (germline): Conflicting classifications of pathogenicity. Review status: criteria provided, conflicting classifications (1 of 4 stars). 2 submissions from 2 submitters: Uncertain significance (1); Likely benign (1). Last evaluated 2024-04-26.

Allele frequency attached by ClinVar (database versions not stated): 1000 Genomes Project 0.00100; 1000 Genomes Project 30x 0.00109.
gnomAD v4.1: 190 of 1,613,782 alleles (0.012%); highest among the groups gnomAD compares: South Asian, 0.2%; 5 homozygotes.

Submissions (2):

Ambry Genetics
Classification: Uncertain significance. Last evaluated: 2024-04-26. Review status: criteria provided, single submitter. Criteria: Ambry Variant Classification Scheme 2023. Collection method: clinical testing. Allele origin: germline.
Comment: The p.A636G variant (also known as c.1907C>G), located in coding exon 17 of the BUB1 gene, results from a C to G substitution at nucleotide position 1907. The alanine at codon 636 is replaced by glycine, an amino acid with similar properties. This amino acid position is conserved. In addition, this alteration is predicted to be tolerated by in silico analysis. Since supporting evidence is limited at this time, the clinical significance of this alteration remains unclear.

Labcorp Genetics (formerly Invitae), Labcorp
Classification: Likely benign. Last evaluated: 2024-03-09. Review status: criteria provided, single submitter. Criteria: Invitae Variant Classification Sherloc (09022015). Collection method: clinical testing. Allele origin: germline.

NM_004336.5(BUB1):c.1907C>G (p.Ala636Gly)

Gene: BUB1 (BUB1 mitotic checkpoint serine/threonine kinase; minus strand). Cytogenetic location: 2q13.
Variant type: single nucleotide variant.
Coding change: c.1907C>G on transcript NM_004336.5 (MANE Select); coding-DNA position 1907, C replaced by G.
Protein change: p.Ala636Gly; replaces alanine 636 with glycine.
Molecular consequence: missense variant.
Genome position (GRCh38, 1-based): chr2:110,653,493, G>C on the plus strand (C>G on the coding strand, the complement: BUB1 is on the minus strand). VCF-style: chr2-110653493-G-C. GRCh37 (hg19) VCF-style: chr2-111411070-G-C.
Other names: c.1847C>G, p.Ala616Gly (NM_001278616.2); c.1907C>G, p.Ala636Gly (NM_001278617.2); short protein forms A616G, A636G.
Identifiers: ClinVar variation 1782412 (VCV001782412.5), dbSNP rs200797921, ClinGen allele CA1827929.